The following is an entry in ClinVar:

ClinVar aggregate classification (germline): Conflicting classifications of pathogenicity. Review status: criteria provided, conflicting classifications (1 of 4 stars). 3 submissions from 3 submitters: Uncertain significance (1); Likely benign (2). Last evaluated 2025-12-22.

Submissions (3):

Labcorp Genetics (formerly Invitae), Labcorp
Classification: Likely benign. Last evaluated: 2025-12-22. Review status: criteria provided, single submitter. Criteria: Invitae Variant Classification Sherloc (09022015). Collection method: clinical testing. Allele origin: germline.

Blueprint Genetics
Classification: Likely benign. Last evaluated: 2024-11-26. Review status: criteria provided, single submitter. Criteria: ACMG Guidelines, 2015. Collection method: clinical testing. Allele origin: germline.

CeGaT Center for Human Genetics Tuebingen
Classification: Uncertain significance. Last evaluated: 2023-12-01. Review status: criteria provided, single submitter. Criteria: CeGaT Center For Human Genetics Tuebingen Variant Classification Criteria Version 2. Collection method: clinical testing. Allele origin: germline. Affected: yes. Observed: 1 variant allele.
Comment: SIPA1L3: PM4, BS1:Supporting

NM_015073.3(SIPA1L3):c.163GCCACC[4] (p.55AT[4])

Gene: SIPA1L3 (signal induced proliferation associated 1 like 3; plus strand). Cytogenetic location: 19q13.13.
Variant type: Microsatellite.
Coding change: c.163GCCACC[4] on transcript NM_015073.3 (MANE Select); four copies in a row of the 6-base unit GCCACC starting at c.163; the reference has five copies in a row; one copy, 6 bases deleted.
Protein change: p.55AT[4].
Molecular consequence: inframe deletion.
Genome position (GRCh38, 1-based): chr19:38,081,752-38,081,757, GCCACC deleted; deleting any 6 consecutive bases within chr19:38,081,728-38,081,757 gives the same sequence; the position shown is the placement nearest the transcript's 3' end. VCF-style (leftmost placement, unchanged base first): chr19-38081727-GGCCACC-G. GRCh37 (hg19) VCF-style: chr19-38572367-GGCCACC-G.
Identifiers: ClinVar variation 2054669 (VCV002054669.28), dbSNP rs562186095, ClinGen allele CA9409037.